The following is an entry in ClinVar:

ClinVar aggregate classification (germline): Pathogenic. Review status: criteria provided, multiple submitters, no conflicts (2 of 4 stars). 2 submissions from 2 submitters: Pathogenic (2). Last evaluated 2024-11-20.

Conditions:
Mucolipidosis type II. Also called: ML II ALPHA/BETA; Mucolipidosis II Alpha/Beta; Mucolipidosis 2; ML 2; Inclusion cell disease; Leroy Disease. Identifiers: Orphanet 576, MedGen C2673377, MONDO:0009650, OMIM 252500.
Pseudo-Hurler polydystrophy. Also called: ML III; ML III ALPHA/BETA; MUCOLIPIDOSIS IIIA; Type III Mucolipidosis; ML IIIA; Mucolipidosis III Alpha/Beta. Identifiers: Orphanet 423461, Orphanet 577, MedGen C0033788, MONDO:0018931, OMIM 252600.
GNPTAB-mucolipidosis. Also called: UDP-N-acetylglucosamine-1-phosphotransferase subunit alpha/beta deficiency. Identifiers: MedGen CN322573, MONDO:0100122.

Submissions (2):

Myriad Genetics, Inc.
Classification: Pathogenic for GNPTAB-mucolipidosis. Last evaluated: 2024-11-20. Review status: criteria provided, single submitter. Criteria: Myriad Autosomal Dominant, Autosomal Recessive and X-Linked Classification Criteria (2023). Collection method: clinical testing. Allele origin: unknown.
Comment: NM_024312.4(GNPTAB):c.147C>G(Y49*) is expected to be pathogenic in the context of GNPTAB-related disorders. This variant is predicted to lead to an abnormal or absent protein product due to the creation of a premature termination codon in GNPTAB, a gene where loss-of-function variants are known to be pathogenic. Please note: this variant was assessed in the context of healthy population screening.

Labcorp Genetics (formerly Invitae), Labcorp
Classification: Pathogenic for Pseudo-Hurler polydystrophy; Mucolipidosis type II. Last evaluated: 2023-06-25. Review status: criteria provided, single submitter. Criteria: Invitae Variant Classification Sherloc (09022015). Collection method: clinical testing. Allele origin: germline.
Comment: This variant has not been reported in the literature in individuals affected with GNPTAB-related conditions. For these reasons, this variant has been classified as Pathogenic. This variant is not present in population databases (gnomAD no frequency). This sequence change creates a premature translational stop signal (p.Tyr49*) in the GNPTAB gene. It is expected to result in an absent or disrupted protein product. Loss-of-function variants in GNPTAB are known to be pathogenic (PMID: 19617216, 25107912).

Literature cited by the submitters: PubMed 19617216 (cited by Labcorp Genetics (formerly Invitae), Labcorp); PubMed 25107912 (cited by Labcorp Genetics (formerly Invitae), Labcorp).

NM_024312.5(GNPTAB):c.147C>G (p.Tyr49Ter)

Gene: GNPTAB (N-acetylglucosamine-1-phosphate transferase subunits alpha and beta; minus strand). Cytogenetic location: 12q23.2.
Variant type: single nucleotide variant.
Coding change: c.147C>G on transcript NM_024312.5 (MANE Select); coding-DNA position 147, C replaced by G.
Protein change: p.Tyr49Ter; replaces tyrosine 49 with a stop codon.
Molecular consequence: nonsense.
Genome position (GRCh38, 1-based): chr12:101,796,733, G>C on the plus strand (C>G on the coding strand, the complement: GNPTAB is on the minus strand). VCF-style: chr12-101796733-G-C. GRCh37 (hg19) VCF-style: chr12-102190511-G-C.
Other names: short protein forms Y49*.
Identifiers: ClinVar variation 2949309 (VCV002949309.4), dbSNP rs2547975414, ClinGen allele CA386305766.